The following is an entry in ClinVar:

NM_000540.3(RYR1):c.4382T>C (p.Met1461Thr)

Gene: RYR1 (ryanodine receptor 1; plus strand). Cytogenetic location: 19q13.2.
Variant type: single nucleotide variant.
Coding change: c.4382T>C on transcript NM_000540.3 (MANE Select); coding-DNA position 4382, T replaced by C.
Protein change: p.Met1461Thr; replaces methionine 1461 with threonine.
Molecular consequence: missense variant.
Genome position (GRCh38, 1-based): chr19:38,477,798, T>C. VCF-style: chr19-38477798-T-C. GRCh37 (hg19) VCF-style: chr19-38968438-T-C.
Other names: c.4382T>C, p.Met1461Thr (NM_001042723.2); short protein forms M1461T.
Identifiers: ClinVar variation 1999296 (VCV001999296.5), dbSNP rs1049869334, ClinGen allele CA308084553.

ClinVar aggregate classification (germline): Uncertain significance. Review status: criteria provided, multiple submitters, no conflicts (2 of 4 stars). 2 submissions from 2 submitters: Uncertain significance (2). Last evaluated 2025-08-25.

Conditions:
RYR1-related disorder. Also called: RYR1-related disorders; RYR1-related condition. Identifiers: MedGen CN239331.
Malignant hyperthermia, susceptibility to, 1 (MHS1). Also called: RYR1-Related Malignant Hyperthermia Susceptibility; Anesthesia related hyperthermia; Malignant hyperpyrexia; Fulminating hyperpyrexia; Pharmacogenic myopathy; Malignant hyperthermia suceptibility 1. Identifiers: Orphanet 423, MedGen C2930980, MONDO:0007783, OMIM 145600.

Allele frequency attached by ClinVar (database versions not stated): gnomAD exomes below 0.00001.

Submissions (2):

Color Diagnostics, LLC DBA Color Health
Classification: Uncertain significance for Malignant hyperthermia, susceptibility to, 1. Last evaluated: 2025-08-25. Review status: criteria provided, single submitter. Criteria: ACMG Guidelines, 2015. Collection method: clinical testing. Allele origin: germline.
Comment: This missense variant replaces methionine with threonine at codon 1461 of the RYR1 protein. Computational prediction suggests that this variant may not impact protein structure and function. To our knowledge, functional studies have not been reported for this variant. This variant has not been reported in individuals affected with RYR1-related disorders in the literature. This variant has not been identified in the general population by the Genome Aggregation Database (gnomAD). The available evidence is insufficient to determine the role of this variant in disease conclusively. Therefore, this variant is classified as a Variant of Uncertain Significance.

Labcorp Genetics (formerly Invitae), Labcorp
Classification: Uncertain significance for RYR1-related disorder. Last evaluated: 2022-10-10. Review status: criteria provided, single submitter. Criteria: Invitae Variant Classification Sherloc (09022015). Collection method: clinical testing. Allele origin: germline.
Comment: In summary, the available evidence is currently insufficient to determine the role of this variant in disease. Therefore, it has been classified as a Variant of Uncertain Significance. Advanced modeling of protein sequence and biophysical properties (such as structural, functional, and spatial information, amino acid conservation, physicochemical variation, residue mobility, and thermodynamic stability) performed at Invitae indicates that this missense variant is not expected to disrupt RYR1 protein function. This variant has not been reported in the literature in individuals affected with RYR1-related conditions. This variant is not present in population databases (gnomAD no frequency). This sequence change replaces methionine, which is neutral and non-polar, with threonine, which is neutral and polar, at codon 1461 of the RYR1 protein (p.Met1461Thr).